The following is an entry in ClinVar:

NM_032638.5(GATA2):c.817G>A (p.Gly273Arg)

Gene: GATA2 (GATA binding protein 2; minus strand). Cytogenetic location: 3q21.3.
Variant type: single nucleotide variant.
Coding change: c.817G>A on transcript NM_032638.5 (MANE Select); coding-DNA position 817, G replaced by A.
Protein change: p.Gly273Arg; replaces glycine 273 with arginine.
Molecular consequence: missense variant.
Genome position (GRCh38, 1-based): chr3:128,485,781, C>T on the plus strand (G>A on the coding strand, the complement: GATA2 is on the minus strand). VCF-style: chr3-128485781-C-T. GRCh37 (hg19) VCF-style: chr3-128204624-C-T.
Other names: c.817G>A, p.Gly273Arg (NM_001145661.2, NM_001145662.1); c.817G>A (NM_032638.4); short protein forms G273R.
Identifiers: ClinVar variation 1425210 (VCV001425210.7), dbSNP rs2068686401, ClinGen allele CA354405827.
Genomic context (GRCh38, chr3:128,485,781, plus strand): 5'-CTTTACCTGAACAGGAACGAGCCTTGCTGCGCTGCTTAGGGGTGAAGCTGGAGGCCGGTC[C>T]CCCCAGGAAGCCTCCGGGGTGGAAGAGTCCGCTGCTGTAGTCGTGGGCAGCCGCCGGCAC-3'
Protein context (NP_116027.2, residues 263-283): GLFHPGGFLG[Gly273Arg]PASSFTPKQR

ClinVar aggregate classification (germline): Uncertain significance. Review status: criteria provided, multiple submitters, no conflicts (2 of 4 stars). 2 submissions from 2 submitters: Uncertain significance (2). Last evaluated 2025-05-19.

Conditions:
Inborn genetic diseases. Identifiers: MedGen C0950123, MeSH D030342.
Monocytopenia with susceptibility to infections. Also called: MONOCYTOPENIA AND MYCOBACTERIAL INFECTION SYNDROME; MONOCYTOPENIA WITH SUSCEPTIBILITY TO MYCOBACTERIAL, FUNGAL, AND PAPILLOMAVIRUS INFECTIONS AND MYELODYSPLASIA; COMBINED IMMUNODEFICIENCY WITH SUSCEPTIBILITY TO MYCOBACTERIAL, VIRAL, AND FUNGAL INFECTIONS; Dendritic cell, monocyte, B lymphocyte, and natural killer lymphocyte deficiency; GATA2 DEFICIENCY; IMMUNODEFICIENCY 21. Identifiers: Orphanet 228423, MedGen C3280030, MONDO:0013607, OMIM 614172.
Deafness-lymphedema-leukemia syndrome. Also called: Lymphedema, primary, with myelodysplasia; Emberger syndrome. Identifiers: Orphanet 3226, MedGen C3279664, MONDO:0013540, OMIM 614038.

Allele frequency attached by ClinVar (database versions not stated): gnomAD 0.00001.
gnomAD v4.1: 2 of 1,613,864 alleles (0.00012%); highest among the groups gnomAD compares: African/African-American, 0.0013%; no homozygotes.

Submissions (2):

Labcorp Genetics (formerly Invitae), Labcorp
Classification: Uncertain significance for Monocytopenia with susceptibility to infections; Deafness-lymphedema-leukemia syndrome. Last evaluated: 2025-05-19. Review status: criteria provided, single submitter. Criteria: Invitae Variant Classification Sherloc (09022015). Collection method: clinical testing. Allele origin: germline.
Comment: This sequence change replaces glycine, which is neutral and non-polar, with arginine, which is basic and polar, at codon 273 of the GATA2 protein (p.Gly273Arg). This variant is not present in population databases (gnomAD no frequency). This variant has not been reported in the literature in individuals affected with GATA2-related conditions. ClinVar contains an entry for this variant (Variation ID: 1425210). Invitae Evidence Modeling of protein sequence and biophysical properties (such as structural, functional, and spatial information, amino acid conservation, physicochemical variation, residue mobility, and thermodynamic stability) has been performed for this missense variant. However, the output from this modeling did not meet the statistical confidence thresholds required to predict the impact of this variant on GATA2 protein function. In summary, the available evidence is currently insufficient to determine the role of this variant in disease. Therefore, it has been classified as a Variant of Uncertain Significance.

Ambry Genetics
Classification: Uncertain significance for Inborn genetic diseases. Last evaluated: 2025-01-15. Review status: criteria provided, single submitter. Criteria: Ambry Variant Classification Scheme 2023. Collection method: clinical testing. Allele origin: germline.
Comment: The p.G273R variant (also known as c.817G>A), located in coding exon 2 of the GATA2 gene, results from a G to A substitution at nucleotide position 817. The glycine at codon 273 is replaced by arginine, an amino acid with dissimilar properties. This variant has been reported in 1 of 1120 pediatric cancer patients who underwent whole genome sequencing and/or whole exome sequencing; this patient was diagnosed with infant ALL (Zhang J et al. N Engl J Med, 2015 Dec;373:2336-2346). This amino acid position is highly conserved in available vertebrate species. In addition, this alteration is predicted to be deleterious by in silico analysis. Based on the available evidence, the clinical significance of this variant remains unclear.

Literature cited by the submitters: PubMed 26580448 (cited by Ambry Genetics).